The following is an entry in ClinVar:

NM_032193.4(RNASEH2C):c.35A>C (p.His12Pro)

Gene: RNASEH2C (ribonuclease H2 subunit C; minus strand). Cytogenetic location: 11q13.1.
Variant type: single nucleotide variant.
Coding change: c.35A>C on transcript NM_032193.4 (MANE Select); coding-DNA position 35, A replaced by C.
Protein change: p.His12Pro; replaces histidine 12 with proline.
Molecular consequence: missense variant.
Genome position (GRCh38, 1-based): chr11:65,720,724, T>G on the plus strand (A>C on the coding strand, the complement: RNASEH2C is on the minus strand). VCF-style: chr11-65720724-T-G. GRCh37 (hg19) VCF-style: chr11-65488195-T-G.
Other names: short protein forms H12P.
Identifiers: ClinVar variation 1505711 (VCV001505711.6), dbSNP rs765558776, ClinGen allele CA381299656.

ClinVar aggregate classification (germline): Uncertain significance (1 of 4 stars; one submission).

Conditions:
Aicardi-Goutieres syndrome 3. Identifiers: Orphanet 51, MedGen C1835916, MONDO:0012471, OMIM 610329.

Submission:

Labcorp Genetics (formerly Invitae), Labcorp
Classification: Uncertain significance for Aicardi-Goutieres syndrome 3. Last evaluated: 2021-11-26. Review status: criteria provided, single submitter. Criteria: Invitae Variant Classification Sherloc (09022015). Collection method: clinical testing. Allele origin: germline.
Comment: This sequence change replaces histidine, which is basic and polar, with proline, which is neutral and non-polar, at codon 12 of the RNASEH2C protein (p.His12Pro). This variant is not present in population databases (gnomAD no frequency). This variant has not been reported in the literature in individuals affected with RNASEH2C-related conditions. Algorithms developed to predict the effect of missense changes on protein structure and function (SIFT, PolyPhen-2, Align-GVGD) all suggest that this variant is likely to be tolerated. In summary, the available evidence is currently insufficient to determine the role of this variant in disease. Therefore, it has been classified as a Variant of Uncertain Significance.